The following is an entry in ClinVar:

ClinVar aggregate classification (germline): Uncertain significance (1 of 4 stars; one submission).

Conditions:
SRRM2-related disorder. Also called: SRRM2-related condition.

gnomAD v4.1: 2 of 1,613,792 alleles (0.00012%); highest among the groups gnomAD compares: Non-Finnish European, 0.000085%; no homozygotes.

Submission:

PreventionGenetics, part of Exact Sciences
Classification: Uncertain significance for SRRM2-related condition. Last evaluated: 2026-05-31. Review status: criteria provided, single submitter. Criteria: ACMG Guidelines, 2015. Collection method: clinical testing. Allele origin: germline.
Comment: The SRRM2 c.5462A>G variant is predicted to result in the amino acid substitution p.His1821Arg. To our knowledge, this variant has not been reported in the literature. This variant is reported in 0.0046% of alleles in individuals of European (Finnish) descent in gnomAD. At this time, the clinical significance of this variant is uncertain due to the absence of conclusive functional and genetic evidence.

NM_016333.4(SRRM2):c.5462A>G (p.His1821Arg)

Gene: SRRM2 (serine/arginine repetitive matrix 2; plus strand). Cytogenetic location: 16p13.3.
Variant type: single nucleotide variant.
Coding change: c.5462A>G on transcript NM_016333.4 (MANE Select); coding-DNA position 5462, A replaced by G.
Protein change: p.His1821Arg; replaces histidine 1821 with arginine.
Molecular consequence: missense variant.
Genome position (GRCh38, 1-based): chr16:2,765,990, A>G. VCF-style: chr16-2765990-A-G. GRCh37 (hg19) VCF-style: chr16-2815991-A-G.
Other names: short protein forms H1821R.
Identifiers: ClinVar variation 4995780 (VCV004995780.1).